The following is an entry in ClinVar:

NM_000528.4(MAN2B1):c.2356-2A>G

Gene: MAN2B1 (mannosidase alpha class 2B member 1; minus strand). Cytogenetic location: 19p13.13.
Variant type: single nucleotide variant.
Coding change: c.2356-2A>G on transcript NM_000528.4 (MANE Select); the canonical splice acceptor site of the intron before coding-DNA position 2356, A replaced by G.
Molecular consequence: splice acceptor variant.
Genome position (GRCh38, 1-based): chr19:12,649,218, T>C on the plus strand (A>G on the coding strand, the complement: MAN2B1 is on the minus strand). VCF-style: chr19-12649218-T-C. GRCh37 (hg19) VCF-style: chr19-12760032-T-C.
Other names: c.2353-2A>G (NM_001173498.2).
Identifiers: ClinVar variation 419533 (VCV000419533.7), dbSNP rs1064793936, ClinGen allele CA16620767.

ClinVar aggregate classification (germline): Pathogenic/Likely pathogenic. Review status: criteria provided, multiple submitters, no conflicts (2 of 4 stars). 5 submissions from 5 submitters: Pathogenic (3); Likely pathogenic (2). Last evaluated 2024-10-04.

Conditions:
Deficiency of alpha-mannosidase (MANSA). Also called: Mannosidosis, alpha-, types I and II; LYSOSOMAL ALPHA-D-MANNOSIDASE DEFICIENCY; Alpha-Mannosidosis. Identifiers: Orphanet 61, MedGen C0024748, MONDO:0009561, OMIM 248500.

Submissions (5):

Dubai Health Genomic Medicine Center, Dubai Health
Classification: Likely pathogenic for Mannosidosis, alpha-, types I and II. Last evaluated: 2024-10-04. Review status: criteria provided, single submitter. Criteria: ACMG Guidelines, 2015. Collection method: research. Allele origin: germline. Affected: yes.
Comment: PVS1,PM2,PP1

Genomic Medicine Center of Excellence, King Faisal Specialist Hospital and Research Centre
Classification: Pathogenic for Mannosidosis, alpha-, types I and II. Last evaluated: 2024-03-14. Review status: criteria provided, single submitter. Criteria: ACMG Guidelines, 2015. Collection method: clinical testing. Allele origin: germline.

Genome-Nilou Lab
Classification: Pathogenic for Deficiency of alpha-mannosidase. Last evaluated: 2021-09-05. Review status: criteria provided, single submitter. Criteria: ACMG Guidelines, 2015. Collection method: clinical testing. Allele origin: germline. Affected: no.

GeneDx
Classification: Pathogenic. Last evaluated: 2015-08-10. Review status: criteria provided, single submitter. Criteria: GeneDx Variant Classification (06012015). Collection method: clinical testing. Allele origin: germline. Affected: yes.
Comment: The c.2356-2A>G variant in the MAN2B1 gene has not been reported previously as a pathogenic variant nor as a benign variant, to our knowledge. This splice site variant destroys the canonical splice acceptor site in intron 19. It is predicted to cause abnormal gene splicing, either leading to an abnormal message that is subject tononsense-mediated mRNA decay, or to an abnormal protein product if the message is used for proteintranslation. Therefore, we interpret the c.2356-2 A>G variant in MAN2B1 as pathogenic.

CENTOGENE GmbH and LLC - Guiding Precision Medicine
Classification: Likely pathogenic for Deficiency of alpha-mannosidase. Review status: criteria provided, single submitter. Criteria: ACMG Guidelines, 2015. Collection method: clinical testing. Allele origin: germline. Affected: yes.

Literature cited by the submitters: PubMed 32860008 (cited by CENTOGENE GmbH and LLC - Guiding Precision Medicine).